The following is an entry in ClinVar:

ClinVar aggregate classification (germline): Pathogenic (1 of 4 stars; one submission).

Conditions:
Hepatoencephalopathy due to combined oxidative phosphorylation defect type 1. Also called: HEPATOENCEPHALOPATHY, EARLY FATAL PROGRESSIVE. Identifiers: Orphanet 137681, MedGen C1836797, MONDO:0012191, OMIM 609060.

Submission:

Natera, Inc.
Classification: Pathogenic for Combined oxidative phosphorylation deficiency 1. Last evaluated: 2025-10-29. Review status: criteria provided, single submitter. Criteria: Natera Variant Classification Schema (03/2026). Collection method: clinical testing. Allele origin: germline.
Comment: The c.1765-1G>A variant in GFM1 is a canonical splice acceptor site variant predicted to affect pre-mRNA splicing, which may result in an abnormal transcript and altered protein product. This variant is expected to result in nonsense mediated decay, truncation, or a dysfunctional protein product. This variant is rare in the general population with a frequency below the threshold expected for the associated phenotype(s). Another variant at this same site results in an alteration predicted to cause a similar molecular effect has been observed in individual(s) with the associated phenotype. Given the available evidence, this variant is classified as Pathogenic.

NM_024996.7(GFM1):c.1765-1G>A

Gene: GFM1 (G elongation factor mitochondrial 1; plus strand). Cytogenetic location: 3q25.32.
Variant type: single nucleotide variant.
Coding change: c.1765-1G>A on transcript NM_024996.7 (MANE Select); the canonical splice acceptor site of the intron before coding-DNA position 1765, G replaced by A.
Molecular consequence: splice acceptor variant.
Genome position (GRCh38, 1-based): chr3:158,684,523, G>A. VCF-style: chr3-158684523-G-A. GRCh37 (hg19) VCF-style: chr3-158402312-G-A.
Other names: c.1822-1G>A (NM_001308164.2); c.1540-1G>A (NM_001374357.1); c.1684-1G>A (NM_001374355.1); c.1648-1G>A (NM_001374356.1); c.1198-1G>A (NM_001374359.1, NM_001374360.1); c.1081-1G>A (NM_001374361.1); c.1306-1G>A (NM_001374358.1).
Identifiers: ClinVar variation 4816182 (VCV004816182.1).